The following is an entry in ClinVar:

ClinVar aggregate classification (germline): Uncertain significance. Review status: criteria provided, multiple submitters, no conflicts (2 of 4 stars). 2 submissions from 2 submitters: Uncertain significance (2). Last evaluated 2020-12-14.

Conditions:
Cardiomyopathy (CMYO). Also called: Cardiomyopathies. Identifiers: Orphanet 167848, MedGen C0878544, MONDO:0004994, HP:0001638. Inheritance: Various modes of inheritance.
Cardiovascular phenotype. Identifiers: MedGen CN230736.

Allele frequency attached by ClinVar (database versions not stated): gnomAD exomes below 0.00001 and 0.00001; ExAC 0.00001; gnomAD 0.00001; 1000 Genomes Project 30x 0.00016; 1000 Genomes Project 0.00020.
gnomAD v4.1: 20 of 1,579,738 alleles (0.0013%); highest among the groups gnomAD compares: Middle Eastern, 0.017%; no homozygotes.

Submissions (2):

Ambry Genetics
Classification: Uncertain significance for Cardiovascular phenotype. Last evaluated: 2020-12-14. Review status: criteria provided, single submitter. Criteria: Ambry Variant Classification Scheme 2023. Collection method: clinical testing. Allele origin: germline.
Comment: The c.865-4T>C intronic variant results from a T to C substitution 4 nucleotides upstream from coding exon 8 in the NEXN gene. This nucleotide position is well conserved in available vertebrate species. In silico splice site analysis predicts that this alteration will not have any significant effect on splicing. Since supporting evidence is limited at this time, the clinical significance of this alteration remains unclear.

CHEO Genetics Diagnostic Laboratory, Children's Hospital of Eastern Ontario
Classification: Uncertain significance for Cardiomyopathy. Last evaluated: 2016-03-08. Review status: criteria provided, single submitter. Criteria: ACMG Guidelines, 2015. Collection method: clinical testing. Allele origin: germline. Study: Canadian Open Genetics Repository.

NM_144573.4(NEXN):c.865-4T>C

Gene: NEXN (nexilin F-actin binding protein; plus strand). Cytogenetic location: 1p31.1.
Variant type: single nucleotide variant.
Coding change: c.865-4T>C on transcript NM_144573.4 (MANE Select); 4 bases into the intron before coding-DNA position 865, T replaced by C.
Molecular consequence: intron variant.
Genome position (GRCh38, 1-based): chr1:77,929,312, T>C. VCF-style: chr1-77929312-T-C. GRCh37 (hg19) VCF-style: chr1-78394997-T-C.
Other names: c.673-4T>C (NM_001172309.2).
Identifiers: ClinVar variation 626631 (VCV000626631.4), dbSNP rs542794485, ClinGen allele CA918770.